The following is an entry in ClinVar:

ClinVar aggregate classification (germline): Uncertain significance (1 of 4 stars; one submission).

Conditions:
Hereditary cancer-predisposing syndrome. Also called: Hereditary neoplastic syndrome; Hereditary Cancer Syndrome; Neoplastic Syndromes, Hereditary; Tumor predisposition. Identifiers: Orphanet 140162, MedGen C0027672, MeSH D009386, MONDO:0015356.

Submission:

Ambry Genetics
Classification: Uncertain significance for Hereditary cancer-predisposing syndrome. Last evaluated: 2023-03-17. Review status: criteria provided, single submitter. Criteria: Ambry Variant Classification Scheme 2023. Collection method: clinical testing. Allele origin: germline.
Comment: The p.M294K variant (also known as c.881T>A), located in coding exon 1 of the MET gene, results from a T to A substitution at nucleotide position 881. The methionine at codon 294 is replaced by lysine, an amino acid with similar properties. This amino acid position is conserved. In addition, the in silico prediction for this alteration is inconclusive. Since supporting evidence is limited at this time, the clinical significance of this alteration remains unclear.

NM_000245.4(MET):c.881T>A (p.Met294Lys)

Gene: MET (MET proto-oncogene, receptor tyrosine kinase; plus strand). Cytogenetic location: 7q31.2.
Variant type: single nucleotide variant.
Coding change: c.881T>A on transcript NM_000245.4 (MANE Select); coding-DNA position 881, T replaced by A.
Protein change: p.Met294Lys; replaces methionine 294 with lysine.
Molecular consequence: missense variant. On other transcripts: intron variant (1).
Genome position (GRCh38, 1-based): chr7:116,699,965, T>A. VCF-style: chr7-116699965-T-A. GRCh37 (hg19) VCF-style: chr7-116340019-T-A.
Other names: c.881T>A, p.Met294Lys (NM_001127500.3, NM_001324401.3); c.-91+27388T>A (NM_001324402.2); short protein forms M294K.
Identifiers: ClinVar variation 2567668 (VCV002567668.2), dbSNP rs2116600134, ClinGen allele CA368970060.
Genomic context (GRCh38, chr7:116,699,965, plus strand): 5'-TTCACACAAGAATAATCAGGTTCTGTTCCATAAACTCTGGATTGCATTCCTACATGGAAA[T>A]GCCTCTGGAGTGTATTCTCACAGAAAAGAGAAAAAAGAGATCCACAAAGAAGGAAGTGTT-3'
Protein context (NP_000236.2, residues 284-304): INSGLHSYME[Met294Lys]PLECILTEKR